The following is an entry in ClinVar:

NM_176869.3(PPA2):c.441+5C>G

Gene: PPA2 (inorganic pyrophosphatase 2; minus strand). Cytogenetic location: 4q24.
Variant type: single nucleotide variant.
Coding change: c.441+5C>G on transcript NM_176869.3 (MANE Select); 5 bases into the intron after coding-DNA position 441, C replaced by G.
Molecular consequence: intron variant.
Genome position (GRCh38, 1-based): chr4:105,446,378, G>C on the plus strand (C>G on the coding strand, the complement: PPA2 is on the minus strand). VCF-style: chr4-105446378-G-C. GRCh37 (hg19) VCF-style: chr4-106367535-G-C.
Other names: c.157+27516C>G (NM_176867.3); c.222+10303C>G (NM_176866.2); c.441+5C>G (NM_006903.4).
Identifiers: ClinVar variation 1189990 (VCV001189990.15), dbSNP rs111967703, ClinGen allele CA3032553.

ClinVar aggregate classification (germline): Benign/Likely benign. Review status: criteria provided, multiple submitters, no conflicts (2 of 4 stars). 5 submissions from 5 submitters: Benign (2); Likely benign (3). Last evaluated 2026-02-04.

Allele frequency attached by ClinVar (database versions not stated): 1000 Genomes Project 0.01038; 1000 Genomes Project 30x 0.01140; TOPMed 0.01812; ESP Exome Variant Server 0.01953; gnomAD 0.02008 and 0.02057; ExAC 0.02342; gnomAD exomes 0.02418.
gnomAD v4.1: 36,990 of 1,541,230 alleles (2.4%); highest among the groups gnomAD compares: Middle Eastern, 4.5%; 572 homozygotes.

Submissions (5):

Labcorp Genetics (formerly Invitae), Labcorp
Classification: Benign. Last evaluated: 2026-02-04. Review status: criteria provided, single submitter. Criteria: Invitae Variant Classification Sherloc (09022015). Collection method: clinical testing. Allele origin: germline.

Mayo Clinic Laboratories, Mayo Clinic
Classification: Benign. Last evaluated: 2025-04-09. Review status: criteria provided, single submitter. Criteria: ACMG Guidelines, 2015. Collection method: clinical testing. Allele origin: germline. Observed: 48 variant alleles.
Comment: BS1, BS2, BP4

Blueprint Genetics
Classification: Likely benign. Last evaluated: 2024-11-26. Review status: criteria provided, single submitter. Criteria: ACMG Guidelines, 2015. Collection method: clinical testing. Allele origin: germline.

GeneDx
Classification: Likely benign. Last evaluated: 2021-10-01. Review status: criteria provided, single submitter. Criteria: GeneDx Variant Classification Process June 2021. Collection method: clinical testing. Allele origin: germline. Affected: yes.

Breakthrough Genomics
Classification: Likely benign. Review status: criteria provided, single submitter. Criteria: ACMG Guidelines, 2015. Collection method: not provided. Allele origin: germline. Inheritance: Autosomal recessive inheritance. Affected: yes.